The following is an entry in ClinVar:

NM_005334.3(HCFC1):c.4609G>A (p.Ala1537Thr)

Gene: HCFC1 (host cell factor C1; minus strand). Cytogenetic location: Xq28.
Variant type: single nucleotide variant.
Coding change: c.4609G>A on transcript NM_005334.3 (MANE Select); coding-DNA position 4609, G replaced by A.
Protein change: p.Ala1537Thr; replaces alanine 1537 with threonine.
Molecular consequence: missense variant.
Genome position (GRCh38, 1-based): chrX:153,952,847, C>T on the plus strand (G>A on the coding strand, the complement: HCFC1 is on the minus strand). VCF-style: chrX-153952847-C-T. GRCh37 (hg19) VCF-style: chrX-153218298-C-T.
Other names: c.4741G>A, p.Ala1581Thr (NM_001410705.1); short protein forms A1537T, A1581T.
Identifiers: ClinVar variation 3774701 (VCV003774701.2).

ClinVar aggregate classification (germline): Uncertain significance (1 of 4 stars; one submission).

Submission:

GeneDx
Classification: Uncertain significance. Last evaluated: 2026-03-11. Review status: criteria provided, single submitter. Criteria: GeneDx Variant Classification Process June 2021. Collection method: clinical testing. Allele origin: germline.
Comment: Not observed at significant frequency in large population cohorts (gnomAD); In silico analysis suggests that this missense variant does not alter protein structure/function; Has not been previously published as pathogenic or benign to our knowledge